The following is an entry in ClinVar:

NM_000875.5(IGF1R):c.628C>T (p.Arg210Cys)

Gene: IGF1R (insulin like growth factor 1 receptor; plus strand). Cytogenetic location: 15q26.3.
Variant type: single nucleotide variant.
Coding change: c.628C>T on transcript NM_000875.5 (MANE Select); coding-DNA position 628, C replaced by T.
Protein change: p.Arg210Cys; replaces arginine 210 with cysteine.
Molecular consequence: missense variant.
Genome position (GRCh38, 1-based): chr15:98,708,095, C>T. VCF-style: chr15-98708095-C-T. GRCh37 (hg19) VCF-style: chr15-99251324-C-T.
Other names: c.628C>T, p.Arg210Cys (NM_001291858.2); short protein forms R210C.
Identifiers: ClinVar variation 2689245 (VCV002689245.5), dbSNP rs1345546886, ClinGen allele CA393697703.

ClinVar aggregate classification (germline): Uncertain significance. Review status: criteria provided, multiple submitters, no conflicts (2 of 4 stars). 2 submissions from 2 submitters: Uncertain significance (2). Last evaluated 2023-11-15.

Conditions:
Growth delay due to insulin-like growth factor I resistance. Also called: Insulin-Like Growth Factor I Resistance; Somatomedin end-organ insensitivity to; Somatomedin-c resistance to; IGF-1 resistance; IGF-I RESISTANCE. Identifiers: Orphanet 73273, MedGen C1849157, MONDO:0010038, OMIM 270450.

gnomAD v4.1: 16 of 1,613,162 alleles (0.00099%); highest among the groups gnomAD compares: Middle Eastern, 0.053%; 1 homozygote.

Submissions (2):

Revvity Omics, Revvity
Classification: Uncertain significance for Growth delay due to insulin-like growth factor I resistance. Last evaluated: 2023-11-15. Review status: criteria provided, single submitter. Criteria: ACMG Guidelines, 2015. Collection method: clinical testing. Allele origin: germline.

Labcorp Genetics (formerly Invitae), Labcorp
Classification: Uncertain significance. Last evaluated: 2023-10-05. Review status: criteria provided, single submitter. Criteria: Invitae Variant Classification Sherloc (09022015). Collection method: clinical testing. Allele origin: germline.
Comment: This sequence change replaces arginine, which is basic and polar, with cysteine, which is neutral and slightly polar, at codon 210 of the IGF1R protein (p.Arg210Cys). This variant is present in population databases (no rsID available, gnomAD 0.01%). This variant has not been reported in the literature in individuals affected with IGF1R-related conditions. Advanced modeling of protein sequence and biophysical properties (such as structural, functional, and spatial information, amino acid conservation, physicochemical variation, residue mobility, and thermodynamic stability) performed at Invitae indicates that this missense variant is expected to disrupt IGF1R protein function. In summary, the available evidence is currently insufficient to determine the role of this variant in disease. Therefore, it has been classified as a Variant of Uncertain Significance.